The following is an entry in ClinVar:

NM_005961.3(MUC6):c.4527C>G (p.Thr1509=)

Gene: MUC6 (mucin 6, oligomeric mucus/gel-forming (gene/pseudogene); minus strand). Cytogenetic location: 11p15.5.
Variant type: single nucleotide variant.
Coding change: c.4527C>G on transcript NM_005961.3 (MANE Select); coding-DNA position 4527, C replaced by G.
Protein change: p.Thr1509=; no amino-acid change (threonine 1509 retained).
Molecular consequence: synonymous variant.
Genome position (GRCh38, 1-based): chr11:1,018,274, G>C on the plus strand (C>G on the coding strand, the complement: MUC6 is on the minus strand). VCF-style: chr11-1018274-G-C. GRCh37 (hg19) VCF-style: chr11-1018274-G-C.
Identifiers: ClinVar variation 2641107 (VCV002641107.24), dbSNP rs79073076, ClinGen allele CA5796086.

ClinVar aggregate classification (germline): Likely benign (1 of 4 stars; one submission).

Allele frequency attached by ClinVar (database versions not stated): ExAC 0.00079.

Submission:

CeGaT Center for Human Genetics Tuebingen
Classification: Likely benign. Last evaluated: 2023-08-01. Review status: criteria provided, single submitter. Criteria: CeGaT Center For Human Genetics Tuebingen Variant Classification Criteria Version 2. Collection method: clinical testing. Allele origin: germline. Affected: yes. Observed: 1 variant allele.
Comment: MUC6: BP4, BP7